The following is an entry in ClinVar:

NM_002834.5(PTPN11):c.1506_1507delinsCC (p.Gly503Arg)

Gene: PTPN11 (protein tyrosine phosphatase non-receptor type 11; plus strand). Cytogenetic location: 12q24.13.
Variant type: Indel.
Coding change: c.1506_1507delinsCC on transcript NM_002834.5 (MANE Select); coding-DNA positions 1506 to 1507, AG replaced by CC.
Protein change: p.Gly503Arg; replaces glycine 503 with arginine.
Molecular consequence: missense variant.
Genome position (GRCh38, 1-based): chr12:112,489,082-112,489,083, AG replaced by CC. VCF-style: chr12-112489082-AG-CC. GRCh37 (hg19) VCF-style: chr12-112926886-AG-CC.
Other names: c.1518_1519delinsCC, p.Gly507Arg (NM_001330437.2); c.1503_1504delinsCC, p.Gly502Arg (NM_001374625.1); short protein forms G503R, G507R, G502R.
Identifiers: ClinVar variation 571101 (VCV000571101.5), dbSNP rs1566186833, ClinGen allele CA891844000.

ClinVar aggregate classification (germline): Pathogenic (1 of 4 stars; one submission).

Conditions:
RASopathy. Also called: rasopathies; Noonan spectrum disorder. Identifiers: Orphanet 536391, MedGen C5555857, MONDO:0021060.

Submission:

Labcorp Genetics (formerly Invitae), Labcorp
Classification: Pathogenic for RASopathy. Last evaluated: 2022-09-27. Review status: criteria provided, single submitter. Criteria: Invitae Variant Classification Sherloc (09022015). Collection method: clinical testing. Allele origin: germline.
Comment: For these reasons, this variant has been classified as Pathogenic. This variant disrupts the p.Gly503 amino acid residue in PTPN11. Other variant(s) that disrupt this residue have been determined to be pathogenic (PMID: 18678287, 26785492). This suggests that this residue is clinically significant, and that variants that disrupt this residue are likely to be disease-causing. Experimental studies and prediction algorithms are not available or were not evaluated, and the functional significance of this variant is currently unknown. ClinVar contains an entry for this variant (Variation ID: 571101). A different variant (c.1507G>A, c.1507G>C) giving rise to the same protein effect has been determined to be pathogenic (PMID: 12717436, 12960218, 16358218, 18758896, 19077116, 19737548, 24754368). This suggests that this variant is also likely to be causative of disease. Information on the frequency of this variant in the gnomAD database is not available, as this variant may be reported differently in the database. This sequence change replaces glycine, which is neutral and non-polar, with arginine, which is basic and polar, at codon 503 of the PTPN11 protein (p.Gly503Arg).

Literature cited by the submitters: PubMed 18678287; PubMed 26785492; PubMed 12717436; PubMed 12960218; PubMed 16358218; PubMed 18758896; PubMed 19077116; PubMed 19737548; PubMed 24754368.